The following is an entry in ClinVar:

ClinVar aggregate classification (germline): Conflicting classifications of pathogenicity. Review status: criteria provided, conflicting classifications (1 of 4 stars). 4 submissions from 4 submitters: Uncertain significance (1); Likely benign (2). 1 of the submissions does not count toward it. Last evaluated 2026-07-01.

Conditions:
C12orf57-related disorder. Also called: C12orf57-related condition.

Allele frequency attached by ClinVar (database versions not stated): 1000 Genomes Project 0.00060; 1000 Genomes Project 30x 0.00109; ESP Exome Variant Server 0.00146; TOPMed 0.00166; gnomAD 0.00171 and 0.00178.
gnomAD v4.1: 3,321 of 1,614,208 alleles (0.21%); highest among the groups gnomAD compares: Non-Finnish European, 0.24%; 9 homozygotes.

Submissions (4):

CeGaT Center for Human Genetics Tuebingen
Classification: Likely benign. Last evaluated: 2026-07-01. Review status: criteria provided, single submitter. Criteria: CeGaT Center For Human Genetics Tuebingen Variant Classification Criteria Version 2. Collection method: clinical testing. Allele origin: germline. Affected: yes. Observed: 9 variant alleles.
Comment: C12orf57: BP4

GeneDx
Classification: Likely benign. Last evaluated: 2021-04-22. Review status: criteria provided, single submitter. Criteria: GeneDx Variant Classification Process June 2021. Collection method: clinical testing. Allele origin: germline. Affected: yes.

Genetic Services Laboratory, University of Chicago
Classification: Uncertain significance. Last evaluated: 2018-03-06. Review status: criteria provided, single submitter. Criteria: ACMG Guidelines, 2015. Collection method: clinical testing. Allele origin: germline. Affected: no.

PreventionGenetics, part of Exact Sciences
Classification: Likely benign for C12orf57-related condition. Last evaluated: 2019-05-13. Review status: no assertion criteria provided. Collection method: clinical testing. Allele origin: germline. Not counted in ClinVar's aggregate classification.
Comment: This variant is classified as likely benign based on ACMG/AMP sequence variant interpretation guidelines (Richards et al. 2015 PMID: 25741868, with internal and published modifications).

NM_138425.4(C12orf57):c.-3C>T

Gene: C12orf57 (chromosome 12 open reading frame 57; plus strand). Cytogenetic location: 12p13.31.
Variant type: single nucleotide variant.
Coding change: c.-3C>T on transcript NM_138425.4 (MANE Select); 3 bases upstream of the start codon, C replaced by T.
Molecular consequence: 5 prime UTR variant. On other transcripts: non-coding transcript variant (1), intron variant (1).
Genome position (GRCh38, 1-based): chr12:6,944,119, C>T. VCF-style: chr12-6944119-C-T. GRCh37 (hg19) VCF-style: chr12-7053282-C-T.
Other names: c.-3C>T (NM_001301834.1, NM_001301837.2); c.-204C>T (NM_001301838.2); c.14-357C>T (NM_001301836.2, NM_001301836.1).
Identifiers: ClinVar variation 1301495 (VCV001301495.31), dbSNP rs113296395, ClinGen allele CA6421157.